The following is an entry in ClinVar:

NM_013432.5(TONSL):c.1864dup (p.Ala622fs)

Genes: TONSL (tonsoku like, DNA repair protein; minus strand), TONSL-AS1 (TONSL antisense RNA 1; plus strand). Cytogenetic location: 8q24.3.
Variant type: Duplication.
Coding change: c.1864dup on transcript NM_013432.5 (MANE Select); coding-DNA position 1864, one base duplicated (G; older notation c.1864dupG).
Protein change: p.Ala622fs; shifts the reading frame from alanine 622.
Molecular consequence: frameshift variant. On other transcripts: non-coding transcript variant (1).
Genome position (GRCh38, 1-based): chr8:144,436,783, C duplicated on the plus strand (G on the coding strand, the reverse complement: TONSL is on the minus strand); the first of 6 consecutive C bases (chr8:144,436,783-144,436,788); duplicating any one gives the same sequence. VCF-style (leftmost placement, unchanged base first): chr8-144436782-G-GC. GRCh37 (hg19) VCF-style: chr8-145662165-G-GC.
Other names: short protein forms A622fs.
Identifiers: ClinVar variation 982174 (VCV000982174.7), dbSNP rs762903420, ClinGen allele CA4943031.

ClinVar aggregate classification (germline): Pathogenic. Review status: criteria provided, single submitter (1 of 4 stars). 2 submissions from 2 submitters: Pathogenic (1). 1 of the submissions does not count toward it. Last evaluated 2024-11-11.

Conditions:
Sponastrime dysplasia. Also called: SPONDYLAR AND NASAL ALTERATIONS WITH STRIATED METAPHYSES. Identifiers: Orphanet 93357, MedGen C1300260, MONDO:0010068, OMIM 271510.

Submissions (2):

Labcorp Genetics (formerly Invitae), Labcorp
Classification: Pathogenic. Last evaluated: 2024-11-11. Review status: criteria provided, single submitter. Criteria: Invitae Variant Classification Sherloc (09022015). Collection method: clinical testing. Allele origin: germline.
Comment: This sequence change creates a premature translational stop signal (p.Ala622Glyfs*67) in the TONSL gene. It is expected to result in an absent or disrupted protein product. Loss-of-function variants in TONSL are known to be pathogenic (PMID: 30773277). This variant is not present in population databases (gnomAD no frequency). This premature translational stop signal has been observed in individual(s) with sponastrime dysplasia (PMID: 30773277). ClinVar contains an entry for this variant (Variation ID: 982174). For these reasons, this variant has been classified as Pathogenic.

University of Washington Center for Mendelian Genomics, University of Washington
Classification: Likely pathogenic for Sponastrime Dysplasia. Review status: no assertion criteria provided. Collection method: research. Allele origin: inherited. Affected: yes. Not counted in ClinVar's aggregate classification.

Literature cited by the submitters: PubMed 30773277 (cited by Labcorp Genetics (formerly Invitae), Labcorp and University of Washington Center for Mendelian Genomics, University of Washington).